The following is an entry in ClinVar:

NM_201548.5(CERKL):c.1073+15_1073+16insAAGTCTTTTTCTTTTTTTTTTTTTTTTTTTTTTNNNNNNNNNNGACCTCGTGATCCGCCCGCCTCGGCCTCCCAAAGTGCTGGGATTACAGGCGTGAGCCACCACGCCCGGCC

Gene: CERKL (CERK like autophagy regulator; minus strand). Cytogenetic location: 2q31.3.
Variant type: Insertion.
Coding change: c.1073+15_1073+16insAAGTCTTTTTCTTTTTTTTTTTTTTTTTTTTTTNNNNNNNNNNGACCTCGTGATCCGCCCGCCTCGGCCTCCCAAAGTGCTGGGATTACAGGCGTGAGCCACCACGCCCGGCC on transcript NM_201548.5 (MANE Select); bases 15 to 16 of the intron after coding-DNA position 1073, AAGTCTTTTTCTTTTTTTTTTTTTTTTTTTTTTNNNNNNNNNNGACCTCGTGATCCGCCCGCCTCGGCCTCCCAAAGTGCTGGGATTACAGGCGTGAGCCACCACGCCCGGCC inserted.
Molecular consequence: intron variant.
Genome position: GRCh38: chr2:181,548,677-181,548,678. GRCh37 (hg19): chr2:182,413,404-182,413,405.
Other names: c.734+15_734+16insAAGTCTTTTTCTTTTTTTTTTTTTTTTTTTTTTNNNNNNNNNNGACCTCGTGATCCGCCCGCCTCGGCCTCCCAAAGTGCTGGGATTACAGGCGTGAGCCACCACGCCCGGCC (NM_001030312.3); c.1019+15_1019+16insAAGTCTTTTTCTTTTTTTTTTTTTTTTTTTTTTNNNNNNNNNNGACCTCGTGATCCGCCCGCCTCGGCCTCCCAAAGTGCTGGGATTACAGGCGTGAGCCACCACGCCCGGCC (NM_001160277.2); c.866+15_866+16insAAGTCTTTTTCTTTTTTTTTTTTTTTTTTTTTTNNNNNNNNNNGACCTCGTGATCCGCCCGCCTCGGCCTCCCAAAGTGCTGGGATTACAGGCGTGAGCCACCACGCCCGGCC (NM_001030313.3); c.1151+15_1151+16insAAGTCTTTTTCTTTTTTTTTTTTTTTTTTTTTTNNNNNNNNNNGACCTCGTGATCCGCCCGCCTCGGCCTCCCAAAGTGCTGGGATTACAGGCGTGAGCCACCACGCCCGGCC (NM_001030311.3).
Identifiers: ClinVar variation 2023795 (VCV002023795.4), dbSNP rs2468295391.

ClinVar aggregate classification (germline): Uncertain significance (1 of 4 stars; one submission).

Submission:

Labcorp Genetics (formerly Invitae), Labcorp
Classification: Uncertain significance. Last evaluated: 2022-11-01. Review status: criteria provided, single submitter. Criteria: Invitae Variant Classification Sherloc (09022015). Collection method: clinical testing. Allele origin: germline.
Comment: Algorithms developed to predict the effect of sequence changes on RNA splicing suggest that this variant may disrupt the consensus splice site. In summary, the available evidence is currently insufficient to determine the role of this variant in disease. Therefore, it has been classified as a Variant of Uncertain Significance. This variant has not been reported in the literature in individuals affected with CERKL-related conditions. This variant is not present in population databases (gnomAD no frequency). This sequence change falls in intron 8 of the CERKL gene. It does not directly change the encoded amino acid sequence of the CERKL protein.